The following is an entry in ClinVar:

NC_000009.12:g.35658026_35658037dup

Gene: RMRP (RNA component of mitochondrial RNA processing endoribonuclease; minus strand). Cytogenetic location: 9p13.3.
Variant type: Duplication.
Genome position: GRCh38 VCF-style: chr9-35658025-T-TCAGCTTCACAGA. GRCh37 (hg19) VCF-style: chr9-35658022-T-TCAGCTTCACAGA.
Identifiers: ClinVar variation 1698511 (VCV001698511.2), dbSNP rs2131809978, ClinGen allele CA2580080476.

ClinVar aggregate classification (germline): Likely pathogenic (1 of 4 stars; one submission).

Conditions:
Metaphyseal chondrodysplasia, McKusick type (CHH). Also called: Cartilage-hair hypoplasia; Cartilage-Hair Hypoplasia (CHH). Identifiers: Orphanet 175, MedGen C0220748, MONDO:0009595, OMIM 250250.

Submission:

Women's Health and Genetics/Laboratory Corporation of America, LabCorp
Classification: Likely pathogenic for Metaphyseal chondrodysplasia, McKusick type. Last evaluated: 2022-06-07. Review status: criteria provided, single submitter. Criteria: LabCorp Variant Classification Summary - May 2015. Collection method: clinical testing. Allele origin: germline.
Comment: Variant summary: RMRP n.-19_-8dup12 is located in the untranscribed region upstream of the RMRP gene region, between the TATA box (-33 to -25) and the transcription initiation site. Other insertions or duplications in the promoter region of RMRP have been classified as pathogenic (internally and in ClinVar). The variant was absent in 127922 control chromosomes (gnomAD). The available data on variant occurrences in the general population are insufficient to allow any conclusion about variant significance. To our knowledge, no occurrence of n.-19_-8dup12 in individuals affected with Cartilage-Hair Hypoplasia and no experimental evidence demonstrating its impact on RNA function have been reported. However, many other insertions or duplications in the promoter region of RMRP have been reported in affected individuals in the literature (e.g. PMIDs: 21956908, 21396580) and have been demonstrated through functional studies to lead to reduced RMRP transcription (e.g. PMIDs: 11207361, 16254002, 17937437). No clinical diagnostic laboratories have submitted clinical-significance assessments for this variant to ClinVar after 2014. Based on the evidence outlined above, the variant was classified as likely pathogenic.